The following is an entry in ClinVar:

NM_001378609.3(OTOGL):c.4860G>A (p.Lys1620=)

Gene: OTOGL (otogelin like; plus strand). Cytogenetic location: 12q21.31.
Variant type: single nucleotide variant.
Coding change: c.4860G>A on transcript NM_001378609.3 (MANE Select); coding-DNA position 4860, G replaced by A.
Protein change: p.Lys1620=; no amino-acid change (lysine 1620 retained).
Molecular consequence: synonymous variant.
Genome position (GRCh38, 1-based): chr12:80,337,004, G>A. VCF-style: chr12-80337004-G-A. GRCh37 (hg19) VCF-style: chr12-80730784-G-A.
Other names: c.4725G>A, p.Lys1575= (NM_001368062.3); c.4860G>A, p.Lys1620= (NM_001378610.3, NM_173591.7).
Identifiers: ClinVar variation 425014 (VCV000425014.48), dbSNP rs753442959, ClinGen allele CA6701532.

ClinVar aggregate classification (germline): Uncertain significance. Review status: criteria provided, multiple submitters, no conflicts (2 of 4 stars). 2 submissions from 2 submitters: Uncertain significance (2). Last evaluated 2019-07-09.

Allele frequency attached by ClinVar (database versions not stated): gnomAD exomes 0.00002 and 0.00004; gnomAD 0.00005 and 0.00006; ExAC 0.00006.
gnomAD v4.1: 41 of 1,561,500 alleles (0.0026%); highest among the groups gnomAD compares: African/African-American, 0.0027%; no homozygotes.

Submissions (2):

Laboratory for Molecular Medicine, Mass General Brigham Personalized Medicine
Classification: Uncertain significance. Last evaluated: 2019-07-09. Review status: criteria provided, single submitter. Criteria: LMM Criteria. Collection method: clinical testing. Allele origin: germline. Observed: 2 variant alleles.
Comment: The p.Lys1611Lys variant has also been identified in 0.008% (8/90266) of European chromosomes by gnomAD, and has been reported as a variant of uncertain significance in ClinVar (Variation ID 425014). This variant is located in the last base of the exon, which is part of the 5â€™ splice region. While computational tools do not suggest an impact to splicing, this information is not predictive enough to rule out pathogenicity. In summary, the clinical significance of the p.Lys1611Lys variant is uncertain. ACMG/AMP Criteria applied: PM2_Supporting, BP4.

CeGaT Center for Human Genetics Tuebingen
Classification: Uncertain significance. Last evaluated: 2016-10-01. Review status: criteria provided, single submitter. Criteria: CeGaT Center For Human Genetics Tuebingen Variant Classification Criteria Version 2. Collection method: clinical testing. Allele origin: germline. Affected: yes. Observed: 1 variant allele.

Literature cited by the submitters: PubMed 28000701 (cited by Laboratory for Molecular Medicine, Mass General Brigham Personalized Medicine).